The following is an entry in ClinVar:

ClinVar aggregate classification (germline): Likely benign (1 of 4 stars; one submission).

Allele frequency attached by ClinVar (database versions not stated): 1000 Genomes Project 30x 0.00265; 1000 Genomes Project 0.00280; ESP Exome Variant Server 0.00361; ExAC 0.00475.

Submission:

CeGaT Center for Human Genetics Tuebingen
Classification: Likely benign. Last evaluated: 2022-07-01. Review status: criteria provided, single submitter. Criteria: CeGaT Center For Human Genetics Tuebingen Variant Classification Criteria Version 2. Collection method: clinical testing. Allele origin: germline. Affected: yes. Observed: 1 variant allele.
Comment: PCDHB14: BP4, BP7

NM_018934.4(PCDHB14):c.846C>T (p.Phe282=)

Genes: PCDHB14 (protocadherin beta 14; plus strand), PCDHB@ (protocadherin beta cluster; plus strand). Cytogenetic location: 5q31.3.
Variant type: single nucleotide variant.
Coding change: c.846C>T on transcript NM_018934.4 (MANE Select); coding-DNA position 846, C replaced by T.
Protein change: p.Phe282=; no amino-acid change (phenylalanine 282 retained).
Molecular consequence: synonymous variant.
Genome position (GRCh38, 1-based): chr5:141,224,351, C>T. VCF-style: chr5-141224351-C-T. GRCh37 (hg19) VCF-style: chr5-140603923-C-T.
Identifiers: ClinVar variation 2655834 (VCV002655834.24), dbSNP rs61978583, ClinGen allele CA3464521.